The following is an entry in ClinVar:

ClinVar aggregate classification (germline): Pathogenic (1 of 4 stars; one submission).

Conditions:
Neurodevelopmental disorder with microcephaly, hypotonia, and variable brain anomalies (NMIHBA). Identifiers: Orphanet 544469, MedGen C4479566, MONDO:0060490, OMIM 617481.

Submission:

Juno Genomics, Hangzhou Juno Genomics, Inc
Classification: Pathogenic for Neurodevelopmental disorder with microcephaly, hypotonia, and variable brain anomalies. Review status: criteria provided, single submitter. Criteria: ACMG Guidelines, 2015. Collection method: clinical testing. Allele origin: germline. Affected: yes.
Comment: Absent from controls (or at extremely low frequency if recessive) in Genome Aggregation Database, Exome Sequencing Project, 1000 Genomes Project, or Exome Aggregation Consortium.;Null variant in a gene where loss of function (LOF) is a known mechanism of disease.;For recessive disorders, detected in trans with a pathogenic variant.

NM_021222.3(PRUNE1):c.446del (p.Ala149fs)

Gene: PRUNE1 (prune exopolyphosphatase 1; plus strand). Cytogenetic location: 1q21.3.
Variant type: Deletion.
Coding change: c.446del on transcript NM_021222.3 (MANE Select); coding-DNA position 446, one base deleted (C; older notation c.446delC).
Protein change: p.Ala149fs; shifts the reading frame from alanine 149.
Molecular consequence: frameshift variant. On other transcripts: 5 prime UTR variant (1), intron variant (1).
Genome position (GRCh38, 1-based): chr1:151,024,721, C deleted. VCF-style (leftmost placement, unchanged base first): chr1-151024720-GC-G. GRCh37 (hg19) VCF-style: chr1-150997196-GC-G.
Other names: c.-101del (NM_001303229.2); c.446del, p.Ala149fs (NM_001303242.2); c.77-2512del (NM_001303243.2); short protein forms A149fs.
Identifiers: ClinVar variation 3382517 (VCV003382517.2).